The following is an entry in ClinVar:

ClinVar aggregate classification (germline): Pathogenic/Likely pathogenic. Review status: criteria provided, multiple submitters, no conflicts (2 of 4 stars). 2 submissions from 2 submitters: Pathogenic (1); Likely pathogenic (1). Last evaluated 2023-08-10.

Conditions:
Inborn genetic diseases. Identifiers: MedGen C0950123, MeSH D030342.
KBG syndrome (KBGS). Also called: ANKRD11-Related KBG Syndrome. Identifiers: Orphanet 2332, MedGen C0220687, MONDO:0007846, OMIM 148050.

Submissions (2):

Laboratorio de Genetica e Diagnostico Molecular, Hospital Israelita Albert Einstein
Classification: Likely pathogenic for KBG syndrome. Last evaluated: 2023-08-10. Review status: criteria provided, single submitter. Criteria: ACMG Guidelines, 2015. Collection method: clinical testing. Allele origin: germline. Affected: yes.
Comment: ACMG classification criteria: PVS1 very strong, PM2 moderate

Ambry Genetics
Classification: Pathogenic for Inborn genetic diseases. Last evaluated: 2017-03-23. Review status: criteria provided, single submitter. Criteria: Ambry exome assertion method (8-5-2015). Collection method: clinical testing. Allele origin: germline. Affected: yes. Observed: 1 variant allele.

Literature cited by the submitters: PubMed 27605097 (cited by Ambry Genetics).

NM_013275.6(ANKRD11):c.1381_1382del (p.Glu461fs)

Gene: ANKRD11 (ankyrin repeat domain 11; minus strand). Cytogenetic location: 16q24.3.
Variant type: Deletion.
Coding change: c.1381_1382del on transcript NM_013275.6 (MANE Select); coding-DNA positions 1381 to 1382, 2 bases deleted (GA; older notation c.1381_1382delGA).
Protein change: p.Glu461fs; shifts the reading frame from glutamic acid 461.
Molecular consequence: frameshift variant.
Genome position (GRCh38, 1-based): chr16:89,285,160-89,285,161, TC deleted on the plus strand (GA on the coding strand, the reverse complement: ANKRD11 is on the minus strand); deleting any 2 consecutive bases within chr16:89,285,160-89,285,162 gives the same sequence; the c. name uses the placement nearest the transcript's 3' end. VCF-style (leftmost placement, unchanged base first): chr16-89285159-TTC-T. GRCh37 (hg19) VCF-style: chr16-89351567-TTC-T.
Other names: c.1381_1382del, p.Glu461fs (NM_001256182.2, NM_001256183.2); short protein forms E461fs.
Identifiers: ClinVar variation 521650 (VCV000521650.5), dbSNP rs1555529734, ClinGen allele CA658798669.